The following is an entry in ClinVar:

NM_012120.3(CD2AP):c.1580G>A (p.Ser527Asn)

Gene: CD2AP (CD2 associated protein; plus strand). Cytogenetic location: 6p12.3.
Variant type: single nucleotide variant.
Coding change: c.1580G>A on transcript NM_012120.3 (MANE Select); coding-DNA position 1580, G replaced by A.
Protein change: p.Ser527Asn; replaces serine 527 with asparagine.
Molecular consequence: missense variant.
Genome position (GRCh38, 1-based): chr6:47,607,976, G>A. VCF-style: chr6-47607976-G-A. GRCh37 (hg19) VCF-style: chr6-47575712-G-A.
Other names: short protein forms S527N.
Identifiers: ClinVar variation 1442615 (VCV001442615.8), dbSNP rs142570426, ClinGen allele CA3844382.

ClinVar aggregate classification (germline): Uncertain significance (1 of 4 stars; one submission).

Allele frequency attached by ClinVar (database versions not stated): gnomAD exomes 0.00001 and 0.00004; ExAC 0.00006; TOPMed 0.00022; ESP Exome Variant Server 0.00023; gnomAD 0.00030 and 0.00031.
gnomAD v4.1: 67 of 1,612,912 alleles (0.0042%); highest among the groups gnomAD compares: African/African-American, 0.08%; no homozygotes.

Submission:

Labcorp Genetics (formerly Invitae), Labcorp
Classification: Uncertain significance. Last evaluated: 2025-10-18. Review status: criteria provided, single submitter. Criteria: Invitae Variant Classification Sherloc (09022015). Collection method: clinical testing. Allele origin: germline.
Comment: This sequence change replaces serine, which is neutral and polar, with asparagine, which is neutral and polar, at codon 527 of the CD2AP protein (p.Ser527Asn). This variant is present in population databases (rs142570426, gnomAD 0.09%). This variant has not been reported in the literature in individuals affected with CD2AP-related conditions. ClinVar contains an entry for this variant (Variation ID: 1442615). Invitae Evidence Modeling of protein sequence and biophysical properties (such as structural, functional, and spatial information, amino acid conservation, physicochemical variation, residue mobility, and thermodynamic stability) indicates that this missense variant is not expected to disrupt CD2AP protein function with a negative predictive value of 80%. In summary, the available evidence is currently insufficient to determine the role of this variant in disease. Therefore, it has been classified as a Variant of Uncertain Significance.